The following is an entry in ClinVar:

ClinVar aggregate classification (germline): Pathogenic. Review status: reviewed by expert panel (3 of 4 stars). 7 submissions from 7 submitters: Pathogenic (1). 6 of the submissions do not count toward it. Last evaluated 2016-09-08.

Conditions:
Hereditary breast ovarian cancer syndrome. Also called: Hereditary breast and ovarian cancer syndrome; Hereditary breast and ovarian cancer; Hereditary breast and ovarian cancer syndrome (HBOC); Breast and ovarian cancer; Hereditary breast and/or ovarian cancer syndrome; BRCA1- and BRCA2-Associated Hereditary Breast and Ovarian Cancer. Identifiers: Orphanet 145, MedGen C0677776, MeSH D061325, MONDO:0003582. Disease mechanism: loss of function.
Hereditary cancer-predisposing syndrome. Also called: Neoplastic Syndromes, Hereditary; Tumor predisposition; Hereditary Cancer Syndrome; Hereditary neoplastic syndrome. Identifiers: Orphanet 140162, MedGen C0027672, MeSH D009386, MONDO:0015356.
Breast-ovarian cancer, familial, susceptibility to, 2 (BROVCA2). Also called: BRCA2 Hereditary Breast and Ovarian Cancer. Identifiers: Orphanet 145, MedGen C2675520, MONDO:0012933, OMIM 612555. Disease mechanism: loss of function.

Submissions (7):

Evidence-based Network for the Interpretation of Germline Mutant Alleles (ENIGMA)
Classification: Pathogenic for Breast-ovarian cancer, familial, susceptibility to, 2. Last evaluated: 2016-09-08. Review status: reviewed by expert panel. Criteria: ENIGMA BRCA1/2 Classification Criteria (2015). Collection method: curation. Allele origin: germline.
Comment: Variant allele predicted to encode a truncated non-functional protein.

Labcorp Genetics (formerly Invitae), Labcorp
Classification: Pathogenic for Hereditary breast ovarian cancer syndrome. Last evaluated: 2024-04-08. Review status: criteria provided, single submitter. Criteria: Invitae Variant Classification Sherloc (09022015). Collection method: clinical testing. Allele origin: germline. Not counted in ClinVar's aggregate classification.
Comment: This sequence change creates a premature translational stop signal (p.Glu1397Lysfs*13) in the BRCA2 gene. It is expected to result in an absent or disrupted protein product. Loss-of-function variants in BRCA2 are known to be pathogenic (PMID: 20104584). This variant is not present in population databases (gnomAD no frequency). This premature translational stop signal has been observed in individual(s) with family history of breast cancer (PMID: 22729890). ClinVar contains an entry for this variant (Variation ID: 51612). For these reasons, this variant has been classified as Pathogenic.

Ambry Genetics
Classification: Pathogenic for Hereditary cancer-predisposing syndrome. Last evaluated: 2023-05-10. Review status: criteria provided, single submitter. Criteria: Ambry Variant Classification Scheme 2023. Collection method: clinical testing. Allele origin: germline. Not counted in ClinVar's aggregate classification.
Comment: The c.4188delA pathogenic mutation, located in coding exon 10 of the BRCA2 gene, results from a deletion of one nucleotide at nucleotide position 4188, causing a translational frameshift with a predicted alternate stop codon (p.Q1396Qfs*14). This variant is considered to be rare based on population cohorts in the Genome Aggregation Database (gnomAD). In addition to the clinical data presented in the literature, this alteration is expected to result in loss of function by premature protein truncation or nonsense-mediated mRNA decay. As such, this alteration is interpreted as a disease-causing mutation.

Color Diagnostics, LLC DBA Color Health
Classification: Pathogenic for Hereditary cancer-predisposing syndrome. Last evaluated: 2021-06-28. Review status: criteria provided, single submitter. Criteria: ACMG Guidelines, 2015. Collection method: clinical testing. Allele origin: germline. Not counted in ClinVar's aggregate classification.
Comment: This variant deletes 1 nucleotide in exon 11 of the BRCA2 gene, creating a frameshift and premature translation stop signal. This variant is expected to result in an absent or non-functional protein product. To our knowledge, functional studies have not been reported for this variant. This variant has been reported in individuals affected with breast cancer (PMID: 27153395) and an individual with a family history of breast/ovarian cancer (PMID: 22729890). This variant has not been identified in the general population by the Genome Aggregation Database (gnomAD). Loss of BRCA2 function is a known mechanism of disease. Based on the available evidence, this variant is classified as Pathogenic.

Consortium of Investigators of Modifiers of BRCA1/2 (CIMBA), c/o University of Cambridge
Classification: Pathogenic for Breast-ovarian cancer, familial, susceptibility to, 2. Last evaluated: 2015-10-02. Review status: criteria provided, single submitter. Criteria: CIMBA Mutation Classification guidelines May 2016. Collection method: clinical testing. Allele origin: germline. Not counted in ClinVar's aggregate classification.

Sharing Clinical Reports Project (SCRP)
Classification: Pathogenic for Breast-ovarian cancer, familial 2. Last evaluated: 2007-03-07. Review status: no assertion criteria provided. Collection method: clinical testing. Allele origin: germline. Not counted in ClinVar's aggregate classification.

Breast Cancer Information Core (BIC) (BRCA2)
Classification: Pathogenic for Breast-ovarian cancer, familial 2. Last evaluated: 2001-10-29. Review status: no assertion criteria provided. Collection method: clinical testing. Allele origin: germline. Affected: yes. Observed: 1 variant allele. Not counted in ClinVar's aggregate classification.

Literature cited by the submitters: PubMed 20104584 (cited by Labcorp Genetics (formerly Invitae), Labcorp); PubMed 22729890 (cited by Labcorp Genetics (formerly Invitae), Labcorp and Color Diagnostics, LLC DBA Color Health); PubMed 27153395 (cited by Color Diagnostics, LLC DBA Color Health).

NM_000059.4(BRCA2):c.4188del (p.Glu1397fs)

Gene: BRCA2 (BRCA2 DNA repair associated; plus strand). Cytogenetic location: 13q13.1.
Variant type: Deletion.
Coding change: c.4188del on transcript NM_000059.4 (MANE Select); coding-DNA position 4188, one base deleted (A; older notation c.4188delA).
Protein change: p.Glu1397fs; shifts the reading frame from glutamic acid 1397.
Molecular consequence: frameshift variant.
Genome position (GRCh38, 1-based): chr13:32,338,543, A deleted; the last of 2 consecutive A bases (chr13:32,338,542-32,338,543); deleting either gives the same sequence. VCF-style (leftmost placement, unchanged base first): chr13-32338541-CA-C. GRCh37 (hg19) VCF-style: chr13-32912678-CA-C.
Other names: 4416delA; c.4188delA (NM_000059.3).
Identifiers: ClinVar variation 51612 (VCV000051612.19), dbSNP rs80359434, ClinGen allele CA019693.